The following is an entry in ClinVar:

ClinVar aggregate classification (germline): Benign/Likely benign. Review status: criteria provided, multiple submitters, no conflicts (2 of 4 stars). 8 submissions from 8 submitters: Benign (3); Likely benign (5). Last evaluated 2026-08-01.

Conditions:
Polydactyly, postaxial, type A1. Identifiers: MedGen C4282400, MONDO:0008266, OMIM 174200.
Greig cephalopolysyndactyly syndrome (GCPS). Also called: POLYSYNDACTYLY WITH PECULIAR SKULL SHAPE; Greig syndrome; GLI3-Related Greig Cephalopolysyndactyly Syndrome. Identifiers: Orphanet 380, MedGen C0265306, MONDO:0008287, OMIM 175700.
Polysyndactyly 4. Also called: Polysyndactyly uncomplicated; Preaxial polydactyly 4. Identifiers: Orphanet 93338, MedGen C1868111, MONDO:0008272, OMIM 174700.
Pallister-Hall syndrome (PHS). Also called: GLI3-Related Pallister-Hall Syndrome; HYPOTHALAMIC HAMARTOBLASTOMA, HYPOPITUITARISM, IMPERFORATE ANUS, AND POSTAXIAL POLYDACTYLY. Identifiers: Orphanet 672, MedGen C0265220, MONDO:0007804, OMIM 146510.

Allele frequency attached by ClinVar (database versions not stated): 1000 Genomes Project 30x 0.00141; 1000 Genomes Project 0.00160; TOPMed 0.00175; ESP Exome Variant Server 0.00177; gnomAD exomes 0.00245 and 0.00288; ExAC 0.00253; gnomAD 0.00256.
gnomAD v4.1: 3,885 of 1,595,964 alleles (0.24%); highest among the groups gnomAD compares: Non-Finnish European, 0.23%; 17 homozygotes.

Submissions (11):

CeGaT Center for Human Genetics Tuebingen
Classification: Benign. Last evaluated: 2026-08-01. Review status: criteria provided, single submitter. Criteria: CeGaT Center For Human Genetics Tuebingen Variant Classification Criteria Version 2. Collection method: clinical testing. Allele origin: germline. Affected: yes. Observed: 20 variant alleles.
Comment: GLI3: BS1, BS2

Labcorp Genetics (formerly Invitae), Labcorp
Classification: Benign for Pallister-Hall syndrome; Greig cephalopolysyndactyly syndrome. Last evaluated: 2026-01-20. Review status: criteria provided, single submitter. Criteria: Invitae Variant Classification Sherloc (09022015). Collection method: clinical testing. Allele origin: germline.

Blueprint Genetics
Classification: Likely benign. Last evaluated: 2024-11-27. Review status: criteria provided, single submitter. Criteria: ACMG Guidelines, 2015. Collection method: clinical testing. Allele origin: germline.

Fulgent Genetics
Classification: Likely benign for Pallister-Hall syndrome; Polydactyly, postaxial, type A1; Polysyndactyly 4; Greig cephalopolysyndactyly syndrome. Last evaluated: 2022-04-08. Review status: criteria provided, single submitter. Criteria: ACMG Guidelines, 2015. Collection method: clinical testing. Allele origin: unknown.

Center for Pediatric Genomic Medicine, Children's Mercy Hospital and Clinics
Classification: Likely benign. Last evaluated: 2017-06-13. Review status: criteria provided, single submitter. Criteria: ACMG Guidelines, 2015. Collection method: clinical testing. Allele origin: germline.

GeneDx
Classification: Likely benign. Last evaluated: 2017-04-27. Review status: criteria provided, single submitter. Criteria: GeneDx Variant Classification (06012015). Collection method: clinical testing. Allele origin: germline. Affected: yes.
Comment: This variant is considered likely benign or benign based on one or more of the following criteria: it is a conservative change, it occurs at a poorly conserved position in the protein, it is predicted to be benign by multiple in silico algorithms, and/or has population frequency not consistent with disease.

Eurofins Ntd Llc (ga)
Classification: Benign. Last evaluated: 2017-03-23. Review status: criteria provided, single submitter. Criteria: EGL Classification Definitions 2015. Collection method: clinical testing. Allele origin: germline. Observed: 1 variant allele, 1 heterozygote.

PreventionGenetics, part of Exact Sciences
Classification: Likely benign. Review status: criteria provided, single submitter. Criteria: ACMG Guidelines, 2015. Collection method: clinical testing. Allele origin: germline.

Dr. Peter K. Rogan Lab, Western University
No classification provided (evidence only). Condition: Familial cancer of breast. Review status: no classification provided. Collection method: in vitro. Allele origin: not applicable. Functional consequence: retained intron. Not counted in ClinVar's aggregate classification.

Dr. Peter K. Rogan Lab, Western University
No classification provided (evidence only). Condition: Familial cancer of breast. Review status: no classification provided. Collection method: in vitro. Allele origin: not applicable. Functional consequence: retained intron. Not counted in ClinVar's aggregate classification.

Dr. Peter K. Rogan Lab, Western University
No classification provided (evidence only). Condition: Familial cancer of breast. Review status: no classification provided. Collection method: in vitro. Allele origin: not applicable. Functional consequence: retained intron. Not counted in ClinVar's aggregate classification.

NM_000168.6(GLI3):c.1357-17C>G

Gene: GLI3 (GLI family zinc finger 3; minus strand). Cytogenetic location: 7p14.1.
Variant type: single nucleotide variant.
Coding change: c.1357-17C>G on transcript NM_000168.6 (MANE Select); 17 bases into the intron before coding-DNA position 1357, C replaced by G.
Molecular consequence: intron variant.
Genome position (GRCh38, 1-based): chr7:42,023,625, G>C on the plus strand (C>G on the coding strand, the complement: GLI3 is on the minus strand). VCF-style: chr7-42023625-G-C. GRCh37 (hg19) VCF-style: chr7-42063224-G-C.
Identifiers: ClinVar variation 255421 (VCV000255421.46), dbSNP rs190600888, ClinGen allele CA4230857.